The following is an entry in ClinVar:

NM_024408.4(NOTCH2):c.1946G>T (p.Cys649Phe)

Gene: NOTCH2 (notch receptor 2; minus strand). Cytogenetic location: 1p12.
Variant type: single nucleotide variant.
Coding change: c.1946G>T on transcript NM_024408.4 (MANE Select); coding-DNA position 1946, G replaced by T.
Protein change: p.Cys649Phe; replaces cysteine 649 with phenylalanine.
Molecular consequence: missense variant.
Genome position (GRCh38, 1-based): chr1:119,959,472, C>A on the plus strand (G>T on the coding strand, the complement: NOTCH2 is on the minus strand). VCF-style: chr1-119959472-C-A. GRCh37 (hg19) VCF-style: chr1-120502095-C-A.
Other names: c.1946G>T, p.Cys649Phe (NM_001200001.2); short protein forms C649F.
Identifiers: ClinVar variation 2747948 (VCV002747948.3), dbSNP rs2526274282, ClinGen allele CA341869698.
Genomic context (GRCh38, chr1:119,959,472, plus strand): 5'-ACACAACTGTAGCGATTAATGCCATCCATACAGATTCCATGGATACAAGGGTTACTTGCA[C>A]AGTCATCAAAATTAATTTCACAATTAACCCCTGGAAGAGAAAACCCAACGGAAACCATTC-3'
Protein context (NP_077719.2, residues 639-659): GVNCEINFDD[Cys649Phe]ASNPCIHGIC

ClinVar aggregate classification (germline): Uncertain significance (1 of 4 stars; one submission).

Conditions:
Hajdu-Cheney syndrome (HJCYS). Also called: ACROOSTEOLYSIS WITH OSTEOPOROSIS AND CHANGES IN SKULL AND MANDIBLE; SERPENTINE FIBULA-POLYCYSTIC KIDNEY SYNDROME; Acroosteolysis dominant type. Identifiers: Orphanet 955, MedGen C0917715, MONDO:0007057, OMIM 102500.

Submission:

Labcorp Genetics (formerly Invitae), Labcorp
Classification: Uncertain significance for Hajdu-Cheney syndrome. Last evaluated: 2024-05-29. Review status: criteria provided, single submitter. Criteria: Invitae Variant Classification Sherloc (09022015). Collection method: clinical testing. Allele origin: germline.
Comment: This sequence change replaces cysteine, which is neutral and slightly polar, with phenylalanine, which is neutral and non-polar, at codon 649 of the NOTCH2 protein (p.Cys649Phe). This variant is not present in population databases (gnomAD no frequency). This variant has not been reported in the literature in individuals affected with NOTCH2-related conditions. Advanced modeling of protein sequence and biophysical properties (such as structural, functional, and spatial information, amino acid conservation, physicochemical variation, residue mobility, and thermodynamic stability) performed at Invitae indicates that this missense variant is expected to disrupt NOTCH2 protein function with a positive predictive value of 95%. In summary, the available evidence is currently insufficient to determine the role of this variant in disease. Therefore, it has been classified as a Variant of Uncertain Significance.